The following is an entry in ClinVar:

ClinVar aggregate classification (germline): Conflicting classifications of pathogenicity. Review status: criteria provided, conflicting classifications (1 of 4 stars). 2 submissions from 2 submitters: Uncertain significance (1); Likely benign (1). Last evaluated 2026-01-21.

Allele frequency attached by ClinVar (database versions not stated): ExAC 0.00001.
gnomAD v4.1: 6 of 1,614,132 alleles (0.00037%); highest among the groups gnomAD compares: Admixed American, 0.01%; no homozygotes.

Submissions (2):

Labcorp Genetics (formerly Invitae), Labcorp
Classification: Uncertain significance. Last evaluated: 2026-01-21. Review status: criteria provided, single submitter. Criteria: Invitae Variant Classification Sherloc (09022015). Collection method: clinical testing. Allele origin: germline.
Comment: This sequence change replaces leucine, which is neutral and non-polar, with proline, which is neutral and non-polar, at codon 949 of the COL4A4 protein (p.Leu949Pro). This variant is present in population databases (rs779716354, gnomAD 0.003%). This variant has not been reported in the literature in individuals affected with COL4A4-related conditions. ClinVar contains an entry for this variant (Variation ID: 2161319). Invitae Evidence Modeling of protein sequence and biophysical properties (such as structural, functional, and spatial information, amino acid conservation, physicochemical variation, residue mobility, and thermodynamic stability) indicates that this missense variant is not expected to disrupt COL4A4 protein function with a negative predictive value of 95%. In summary, the available evidence is currently insufficient to determine the role of this variant in disease. Therefore, it has been classified as a Variant of Uncertain Significance.

Blueprint Genetics
Classification: Likely benign. Last evaluated: 2017-10-10. Review status: criteria provided, single submitter. Criteria: ACMG Guidelines, 2015. Collection method: clinical testing. Allele origin: germline.

NM_000092.5(COL4A4):c.2846T>C (p.Leu949Pro)

Gene: COL4A4 (collagen type IV alpha 4 chain; minus strand). Cytogenetic location: 2q36.3.
Variant type: single nucleotide variant.
Coding change: c.2846T>C on transcript NM_000092.5 (MANE Select); coding-DNA position 2846, T replaced by C.
Protein change: p.Leu949Pro; replaces leucine 949 with proline.
Molecular consequence: missense variant.
Genome position (GRCh38, 1-based): chr2:227,054,608, A>G on the plus strand (T>C on the coding strand, the complement: COL4A4 is on the minus strand). VCF-style: chr2-227054608-A-G. GRCh37 (hg19) VCF-style: chr2-227919324-A-G.
Other names: short protein forms L949P.
Identifiers: ClinVar variation 2161319 (VCV002161319.5), dbSNP rs779716354, ClinGen allele CA2144705.